The following is an entry in ClinVar:

ClinVar aggregate classification (germline): Uncertain significance (1 of 4 stars; one submission).

gnomAD v4.1: 24 of 1,588,030 alleles (0.0015%); highest among the groups gnomAD compares: Non-Finnish European, 0.0021%; no homozygotes.

Submission:

Labcorp Genetics (formerly Invitae), Labcorp
Classification: Uncertain significance. Last evaluated: 2025-11-17. Review status: criteria provided, single submitter. Criteria: Invitae Variant Classification Sherloc (09022015). Collection method: clinical testing. Allele origin: germline.
Comment: This sequence change replaces glutamine, which is neutral and polar, with glutamic acid, which is acidic and polar, at codon 2114 of the SON protein (p.Gln2114Glu). This variant is present in population databases (no rsID available, gnomAD 0.002%). This variant has not been reported in the literature in individuals affected with SON-related conditions. Experimental studies and prediction algorithms are not available or were not evaluated, and the functional significance of this variant is currently unknown. In summary, the available evidence is currently insufficient to determine the role of this variant in disease. Therefore, it has been classified as a Variant of Uncertain Significance.

NM_138927.4(SON):c.6340C>G (p.Gln2114Glu)

Gene: SON (SON DNA and RNA binding protein; plus strand). Cytogenetic location: 21q22.11.
Variant type: single nucleotide variant.
Coding change: c.6340C>G on transcript NM_138927.4 (MANE Select); coding-DNA position 6340, C replaced by G.
Protein change: p.Gln2114Glu; replaces glutamine 2114 with glutamic acid.
Molecular consequence: missense variant. On other transcripts: non-coding transcript variant (1).
Genome position (GRCh38, 1-based): chr21:33,559,248, C>G. VCF-style: chr21-33559248-C-G. GRCh37 (hg19) VCF-style: chr21-34931554-C-G.
Other names: c.424C>G, p.Gln142Glu (NM_001291412.3); c.6340C>G, p.Gln2114Glu (NM_032195.3); short protein forms Q142E, Q2114E.
Identifiers: ClinVar variation 4695016 (VCV004695016.1).